The following is an entry in ClinVar:

ClinVar aggregate classification (germline): Uncertain significance (1 of 4 stars; one submission).

Conditions:
Chromosome 2q32-q33 deletion syndrome (GLASS). Also called: Glass syndrome; 2q33.1 deletion syndrome. Identifiers: Orphanet 251019, MedGen C2676739, MONDO:0012864, OMIM 612313.

Submission:

Labcorp Genetics (formerly Invitae), Labcorp
Classification: Uncertain significance for Chromosome 2q32-q33 deletion syndrome. Last evaluated: 2025-12-16. Review status: criteria provided, single submitter. Criteria: Invitae Variant Classification Sherloc (09022015). Collection method: clinical testing. Allele origin: germline.
Comment: This sequence change replaces serine, which is neutral and polar, with asparagine, which is neutral and polar, at codon 7 of the SATB2 protein (p.Ser7Asn). This variant is not present in population databases (gnomAD no frequency). This variant has not been reported in the literature in individuals affected with SATB2-related conditions. Invitae Evidence Modeling of protein sequence and biophysical properties (such as structural, functional, and spatial information, amino acid conservation, physicochemical variation, residue mobility, and thermodynamic stability) indicates that this missense variant is not expected to disrupt SATB2 protein function with a negative predictive value of 80%. In summary, the available evidence is currently insufficient to determine the role of this variant in disease. Therefore, it has been classified as a Variant of Uncertain Significance.

NM_001172509.2(SATB2):c.20G>A (p.Ser7Asn)

Gene: SATB2 (SATB homeobox 2; minus strand). Cytogenetic location: 2q33.1.
Variant type: single nucleotide variant.
Coding change: c.20G>A on transcript NM_001172509.2 (MANE Select); coding-DNA position 20, G replaced by A.
Protein change: p.Ser7Asn; replaces serine 7 with asparagine.
Molecular consequence: missense variant. On other transcripts: non-coding transcript variant (1).
Genome position (GRCh38, 1-based): chr2:199,456,018, C>T on the plus strand (G>A on the coding strand, the complement: SATB2 is on the minus strand). VCF-style: chr2-199456018-C-T. GRCh37 (hg19) VCF-style: chr2-200320741-C-T.
Other names: c.20G>A, p.Ser7Asn (NM_001172517.1, NM_015265.4); short protein forms S7N.
Identifiers: ClinVar variation 4743777 (VCV004743777.1).
Genomic context (GRCh38, chr2:199,456,018, plus strand): 5'-GGAGGCCCCTTGACGTCCGGGCTGCCGCTCCGCCGGTCGGGGCTGTCCCGCAGACACGGG[C>T]TCTCGCTCCGCCGCTCCATGCTGCTCCGACTCGGAGACAAAGTTCCCACCGGCAGGTCGC-3'
Protein context (NP_001165980.1, residues 1-17): MERRSE[Ser7Asn]PCLRDSPDRR